The following is an entry in ClinVar:

NM_001145715.3(KPNA7):c.487G>A (p.Glu163Lys)

Gene: KPNA7 (karyopherin subunit alpha 7; minus strand). Cytogenetic location: 7q22.1.
Variant type: single nucleotide variant.
Coding change: c.487G>A on transcript NM_001145715.3 (MANE Select); coding-DNA position 487, G replaced by A.
Protein change: p.Glu163Lys; replaces glutamic acid 163 with lysine.
Molecular consequence: missense variant.
Genome position (GRCh38, 1-based): chr7:99,195,136, C>T on the plus strand (G>A on the coding strand, the complement: KPNA7 is on the minus strand). VCF-style: chr7-99195136-C-T. GRCh37 (hg19) VCF-style: chr7-98792759-C-T.
Other names: short protein forms E163K.
Identifiers: ClinVar variation 956273 (VCV000956273.11), dbSNP rs936229119, ClinGen allele CA163746624.

ClinVar aggregate classification (germline): Uncertain significance. Review status: criteria provided, multiple submitters, no conflicts (2 of 4 stars). 2 submissions from 2 submitters: Uncertain significance (2). Last evaluated 2024-02-27.

Allele frequency attached by ClinVar (database versions not stated): gnomAD exomes below 0.00001 and 0.00001; gnomAD 0.00001; TOPMed 0.00007.
gnomAD v4.1: 6 of 1,551,512 alleles (0.00039%); highest among the groups gnomAD compares: Admixed American, 0.002%; no homozygotes.

Submissions (2):

Ambry Genetics
Classification: Uncertain significance. Last evaluated: 2024-02-27. Review status: criteria provided, single submitter. Criteria: Ambry Variant Classification Scheme 2023. Collection method: clinical testing. Allele origin: germline.

Labcorp Genetics (formerly Invitae), Labcorp
Classification: Uncertain significance. Last evaluated: 2024-02-17. Review status: criteria provided, single submitter. Criteria: Invitae Variant Classification Sherloc (09022015). Collection method: clinical testing. Allele origin: germline.
Comment: This sequence change replaces glutamic acid, which is acidic and polar, with lysine, which is basic and polar, at codon 163 of the KPNA7 protein (p.Glu163Lys). This variant is present in population databases (no rsID available, gnomAD 0.002%). This variant has not been reported in the literature in individuals affected with KPNA7-related conditions. ClinVar contains an entry for this variant (Variation ID: 956273). Advanced modeling of protein sequence and biophysical properties (such as structural, functional, and spatial information, amino acid conservation, physicochemical variation, residue mobility, and thermodynamic stability) performed at Invitae indicates that this missense variant is not expected to disrupt KPNA7 protein function with a negative predictive value of 80%. In summary, the available evidence is currently insufficient to determine the role of this variant in disease. Therefore, it has been classified as a Variant of Uncertain Significance.